The following is an entry in ClinVar:

NC_012920.1(MT-ND5):m.12352A>G

Gene: MT-ND5 (mitochondrially encoded NADH dehydrogenase 5; plus strand).
Variant type: single nucleotide variant.
Genome position: chrM-12352-A-G.
Identifiers: ClinVar variation 693423 (VCV000693423.1), dbSNP rs1603223680, ClinGen allele CA414812778.

ClinVar aggregate classification (germline): Likely benign (1 of 4 stars; one submission).

Conditions:
Leigh syndrome (NULS). Also called: Leigh's necrotizing encephalopathy; Leigh's disease; Leigh Syndrome (mtDNA deletion); Leigh Disease; Subacute necrotizing encephalopathy; Necrotizing encephalopathy infantile subacute of Leigh. Identifiers: Orphanet 506, MedGen C2931891, MONDO:0009723, OMIM 256000.

Submission:

Wong Mito Lab, Molecular and Human Genetics, Baylor College of Medicine
Classification: Likely benign for Leigh syndrome. Last evaluated: 2019-10-17. Review status: criteria provided, single submitter. Criteria: Modified ACMG Guidelines (Unpublished). Collection method: clinical testing. Allele origin: germline.
Comment: The NC_012920.1:m.12352A>G (YP_003024036.1:p.Thr6Ala) variant in MTND5 gene is interpretated to be a Likely Benign variant based on the modified ACMG guidelines (unpublished). This variant meets the following evidence codes: BS4, BP4